The following is an entry in ClinVar:

NM_001943.5(DSG2):c.2105C>G (p.Ala702Gly)

Genes: DSG2 (desmoglein 2; plus strand), DSG2-AS1 (DSG2 antisense RNA 1; minus strand). Cytogenetic location: 18q12.1.
Variant type: single nucleotide variant.
Coding change: c.2105C>G on transcript NM_001943.5 (MANE Select); coding-DNA position 2105, C replaced by G.
Protein change: p.Ala702Gly; replaces alanine 702 with glycine.
Molecular consequence: missense variant.
Genome position (GRCh38, 1-based): chr18:31,542,623, C>G. VCF-style: chr18-31542623-C-G. GRCh37 (hg19) VCF-style: chr18-29122586-C-G.
Other names: short protein forms A702G.
Identifiers: ClinVar variation 3221940 (VCV003221940.1), dbSNP rs2510920667, ClinGen allele CA402141731.
Genomic context (GRCh38, chr18:31,542,623, plus strand): 5'-TAGGAAGAAATGGAGTAGGAGGTATGGCCAAGGAAGCCACGATGAAAGGAAGTAGCTCTG[C>G]TTCCATTGTCAAAGGGCAACATGAGATGTCCGAGATGGATGGAAGGTGGGAAGAACACAG-3'
Protein context (NP_001934.2, residues 692-712): KEATMKGSSS[Ala702Gly]SIVKGQHEMS

ClinVar aggregate classification (germline): Uncertain significance (1 of 4 stars; one submission).

Conditions:
Cardiovascular phenotype. Identifiers: MedGen CN230736.

Submission:

Ambry Genetics
Classification: Uncertain significance for Cardiovascular phenotype. Last evaluated: 2023-11-05. Review status: criteria provided, single submitter. Criteria: Ambry Variant Classification Scheme 2023. Collection method: clinical testing. Allele origin: germline.
Comment: The p.A702G variant (also known as c.2105C>G), located in coding exon 14 of the DSG2 gene, results from a C to G substitution at nucleotide position 2105. The alanine at codon 702 is replaced by glycine, an amino acid with similar properties. This amino acid position is conserved. In addition, this alteration is predicted to be tolerated by in silico analysis. Since supporting evidence is limited at this time, the clinical significance of this alteration remains unclear.